The following is an entry in ClinVar:

ClinVar aggregate classification (germline): Benign/Likely benign. Review status: criteria provided, multiple submitters, no conflicts (2 of 4 stars). 7 submissions from 7 submitters: Benign (1); Likely benign (6). Last evaluated 2026-02-05.

Conditions:
PKP2-related disorder. Also called: PKP2-related condition.
Cardiovascular phenotype. Identifiers: MedGen CN230736.
Cardiomyopathy (CMYO). Also called: Cardiomyopathies. Identifiers: Orphanet 167848, MedGen C0878544, MONDO:0004994, HP:0001638. Inheritance: Various modes of inheritance.
Arrhythmogenic right ventricular cardiomyopathy (ARVD). Also called: Arrhythmogenic cardiomyopathy; Arrhythmogenic Right Ventricular Cardiomyopathy (ARVC); Arrhythmogenic right ventricular dysplasia; Cardiomyopathy, ARVC. Identifiers: Orphanet 247, MedGen C0349788, MeSH D019571, MONDO:0016587. Disease mechanism: loss of function. Inheritance: Various modes of inheritance.
Arrhythmogenic right ventricular dysplasia 9 (ARVD9). Also called: ARRHYTHMOGENIC RIGHT VENTRICULAR DYSPLASIA, FAMILIAL, 9; Arrhythmogenic Right Ventricular Dysplasia/Cardiomyopathy 9. Identifiers: MedGen C1836906, MONDO:0012180, OMIM 609040.

Allele frequency attached by ClinVar (database versions not stated): gnomAD 0.00001; TOPMed 0.00004; ExAC 0.00005; gnomAD exomes 0.00007; 1000 Genomes Project 0.00020; 1000 Genomes Project 30x 0.00031.
gnomAD v4.1: 26 of 1,614,142 alleles (0.0016%); highest among the groups gnomAD compares: East Asian, 0.033%; no homozygotes.

Submissions (7):

PreventionGenetics, part of Exact Sciences
Classification: Likely benign for PKP2-related condition. Last evaluated: 2026-02-05. Review status: criteria provided, single submitter. Criteria: ACMG Guidelines, 2015. Collection method: clinical testing. Allele origin: germline.
Comment: This variant is classified as likely benign based on ACMG/AMP sequence variant interpretation guidelines (Richards et al. 2015 PMID: 25741868, with internal and published modifications).

Labcorp Genetics (formerly Invitae), Labcorp
Classification: Likely benign for Arrhythmogenic right ventricular dysplasia 9. Last evaluated: 2025-12-03. Review status: criteria provided, single submitter. Criteria: Invitae Variant Classification Sherloc (09022015). Collection method: clinical testing. Allele origin: germline.

Ambry Genetics
Classification: Likely benign for Cardiovascular phenotype. Last evaluated: 2024-05-02. Review status: criteria provided, single submitter. Criteria: Ambry Variant Classification Scheme 2023. Collection method: clinical testing. Allele origin: germline.

All of Us Research Program, National Institutes of Health
Classification: Likely benign for Arrhythmogenic right ventricular cardiomyopathy. Last evaluated: 2024-02-05. Review status: criteria provided, single submitter. Criteria: ACMG Guidelines, 2015. Collection method: clinical testing. Allele origin: germline. Inheritance: Autosomal dominant inheritance. Observed: 7 variant alleles, 7 heterozygotes.
Comment: This study involves interpretation of variants in research participants for the purpose of population health screening. Participant phenotype was not available at the time of variant classification. Additional details can be found in publication PMID: 35346344, PMCID: PMC8962531

Blueprint Genetics
Classification: Likely benign. Last evaluated: 2023-10-26. Review status: criteria provided, single submitter. Criteria: ACMG Guidelines, 2015. Collection method: clinical testing. Allele origin: germline.

Color Diagnostics, LLC DBA Color Health
Classification: Likely benign for Cardiomyopathy. Last evaluated: 2018-06-25. Review status: criteria provided, single submitter. Criteria: ACMG Guidelines, 2015. Collection method: clinical testing. Allele origin: germline.

GeneDx
Classification: Benign. Last evaluated: 2015-04-20. Review status: criteria provided, single submitter. Criteria: GeneDx Variant Classification (06012015). Collection method: clinical testing. Allele origin: germline. Affected: yes.
Comment: This variant is considered likely benign or benign based on one or more of the following criteria: it is a conservative change, it occurs at a poorly conserved position in the protein, it is predicted to be benign by multiple in silico algorithms, and/or has population frequency not consistent with disease.

NM_001005242.3(PKP2):c.927C>T (p.Ala309=)

Gene: PKP2 (plakophilin 2; minus strand). Cytogenetic location: 12p11.21.
Variant type: single nucleotide variant.
Coding change: c.927C>T on transcript NM_001005242.3 (MANE Select); coding-DNA position 927, C replaced by T.
Protein change: p.Ala309=; no amino-acid change (alanine 309 retained).
Molecular consequence: synonymous variant.
Genome position (GRCh38, 1-based): chr12:32,877,953, G>A on the plus strand (C>T on the coding strand, the complement: PKP2 is on the minus strand). VCF-style: chr12-32877953-G-A. GRCh37 (hg19) VCF-style: chr12-33030887-G-A.
Other names: c.927C>T, p.Ala309= (NM_004572.4).
Identifiers: ClinVar variation 379492 (VCV000379492.16), dbSNP rs200152448, ClinGen allele CA039432.